The following is an entry in ClinVar:

ClinVar aggregate classification (germline): Uncertain significance. Review status: criteria provided, multiple submitters, no conflicts (2 of 4 stars). 2 submissions from 2 submitters: Uncertain significance (2). Last evaluated 2024-07-13.

Conditions:
Melnick-Needles syndrome (MNS). Also called: MELNICK-NEEDLES OSTEODYSPLASTY; OSTEODYSPLASTY OF MELNICK AND NEEDLES; Melnick-Needles Syndrome (FLNA-MNS). Identifiers: Orphanet 2484, MedGen C0025237, MONDO:0010650, OMIM 309350.
Heterotopia, periventricular, X-linked dominant (PVNH1). Also called: PERIVENTRICULAR NODULAR HETEROTOPIA 1; X-linked periventricular heterotopia; PERIVENTRICULAR NODULAR HETEROTOPIA 4; HETEROTOPIA, PERIVENTRICULAR, 1. Identifiers: Orphanet 2149, Orphanet 82004, MedGen C1848213, MONDO:0010233, OMIM 300049.
Frontometaphyseal dysplasia (FMD1). Identifiers: Orphanet 1826, MedGen C0265293, MONDO:0015942.
Oto-palato-digital syndrome, type II (OPD2). Also called: FACIOPALATOOSSEOUS SYNDROME; OPD II SYNDROME; Otopalatodigital Syndrome Type 2 (FLNA-OPD2); Otopalatodigital Syndrome, Type II. Identifiers: Orphanet 669, Orphanet 90652, MedGen C1844696, MONDO:0010571, OMIM 304120.

Allele frequency attached by ClinVar (database versions not stated): gnomAD exomes below 0.00001.
gnomAD v4.1: 1 of 1,211,765 alleles (0.000083%); highest among the groups gnomAD compares: Non-Finnish European, 0.00011%; no homozygotes.

Submissions (2):

GeneDx
Classification: Uncertain significance. Last evaluated: 2024-07-13. Review status: criteria provided, single submitter. Criteria: GeneDx Variant Classification Process June 2021. Collection method: clinical testing. Allele origin: germline. Affected: yes.
Comment: Not observed at significant frequency in large population cohorts (gnomAD); In silico analysis supports that this missense variant has a deleterious effect on protein structure/function; Has not been previously published as pathogenic or benign to our knowledge

Labcorp Genetics (formerly Invitae), Labcorp
Classification: Uncertain significance for Oto-palato-digital syndrome, type II; Heterotopia, periventricular, X-linked dominant; Frontometaphyseal dysplasia; Melnick-Needles syndrome. Last evaluated: 2022-02-10. Review status: criteria provided, single submitter. Criteria: Invitae Variant Classification Sherloc (09022015). Collection method: clinical testing. Allele origin: germline.
Comment: In summary, the available evidence is currently insufficient to determine the role of this variant in disease. Therefore, it has been classified as a Variant of Uncertain Significance. Advanced modeling of protein sequence and biophysical properties (such as structural, functional, and spatial information, amino acid conservation, physicochemical variation, residue mobility, and thermodynamic stability) performed at Invitae indicates that this missense variant is not expected to disrupt FLNA protein function. This variant has not been reported in the literature in individuals affected with FLNA-related conditions. This variant is not present in population databases (gnomAD no frequency). This sequence change replaces lysine, which is basic and polar, with threonine, which is neutral and polar, at codon 1593 of the FLNA protein (p.Lys1593Thr).

NM_001110556.2(FLNA):c.4778A>C (p.Lys1593Thr)

Gene: FLNA (filamin A; minus strand). Cytogenetic location: Xq28.
Variant type: single nucleotide variant.
Coding change: c.4778A>C on transcript NM_001110556.2 (MANE Select); coding-DNA position 4778, A replaced by C.
Protein change: p.Lys1593Thr; replaces lysine 1593 with threonine.
Molecular consequence: missense variant.
Genome position (GRCh38, 1-based): chrX:154,357,601, T>G on the plus strand (A>C on the coding strand, the complement: FLNA is on the minus strand). VCF-style: chrX-154357601-T-G. GRCh37 (hg19) VCF-style: chrX-153585969-T-G.
Other names: c.4778A>C (NM_001456.3); c.4778A>C, p.Lys1593Thr (NM_001456.4); short protein forms K1593T.
Identifiers: ClinVar variation 2094350 (VCV002094350.5), dbSNP rs2522733698, ClinGen allele CA415214342.
Genomic context (GRCh38, chrX:154,357,601, plus strand): 5'-GTCACGTCTGGCACGTAGGCCACTGTATACGTGCCGTCATGGTTGTCTTGGATGTGTGTC[T>G]TCTTCGGCTTGCCTTCGGGATCCTGTGTGGCAGAGGCAGGGGAGGCAGTTGGCCCAAGCC-3'
Protein context (NP_001104026.1, residues 1583-1603): QITDPEGKPK[Lys1593Thr]THIQDNHDGT